The following is an entry in ClinVar:

NM_000264.5(PTCH1):c.3838T>G (p.Ser1280Ala)

Gene: PTCH1 (patched 1; minus strand). Cytogenetic location: 9q22.32.
Variant type: single nucleotide variant.
Coding change: c.3838T>G on transcript NM_000264.5 (MANE Select); coding-DNA position 3838, T replaced by G.
Protein change: p.Ser1280Ala; replaces serine 1280 with alanine.
Molecular consequence: missense variant. On other transcripts: non-coding transcript variant (1).
Genome position (GRCh38, 1-based): chr9:95,447,418, A>C on the plus strand (T>G on the coding strand, the complement: PTCH1 is on the minus strand). VCF-style: chr9-95447418-A-C. GRCh37 (hg19) VCF-style: chr9-98209700-A-C.
Other names: c.3838T>G (NM_000264.3); c.3640T>G, p.Ser1214Ala (NM_001083602.3); c.3835T>G, p.Ser1279Ala (NM_001083603.3); c.3385T>G, p.Ser1129Ala (NM_001083604.3, NM_001083605.3, NM_001083606.3 and 1 more transcripts); c.3682T>G, p.Ser1228Ala (NM_001354918.2); short protein forms S1129A, S1279A, S1280A, S1214A, S1228A.
Identifiers: ClinVar variation 1390354 (VCV001390354.7), dbSNP rs2136584448, ClinGen allele CA374110818.

ClinVar aggregate classification (germline): Uncertain significance. Review status: criteria provided, multiple submitters, no conflicts (2 of 4 stars). 2 submissions from 2 submitters: Uncertain significance (2). Last evaluated 2026-04-19.

Conditions:
Hereditary cancer-predisposing syndrome. Also called: Neoplastic Syndromes, Hereditary; Tumor predisposition; Hereditary Cancer Syndrome; Hereditary neoplastic syndrome. Identifiers: Orphanet 140162, MedGen C0027672, MeSH D009386, MONDO:0015356.
Gorlin syndrome. Also called: Basal cell nevus syndrome; Nevoid Basal Cell Carcinoma Syndrome. Identifiers: Orphanet 377, MedGen C0004779, MONDO:0007187.

Allele frequency attached by ClinVar (database versions not stated): gnomAD exomes below 0.00001.
gnomAD v4.1: 1 of 1,602,418 alleles (0.000062%); no homozygotes.

Submissions (2):

Ambry Genetics
Classification: Uncertain significance for Hereditary cancer-predisposing syndrome. Last evaluated: 2026-04-19. Review status: criteria provided, single submitter. Criteria: Ambry Variant Classification Scheme 2023. Collection method: clinical testing. Allele origin: germline.
Comment: The p.S1280A variant (also known as c.3838T>G), located in coding exon 23 of the PTCH1 gene, results from a T to G substitution at nucleotide position 3838. The serine at codon 1280 is replaced by alanine, an amino acid with similar properties. This amino acid position is conserved. In addition, this alteration is predicted to be tolerated by in silico analysis. Based on the available evidence, the clinical significance of this variant remains unclear.

Labcorp Genetics (formerly Invitae), Labcorp
Classification: Uncertain significance for Gorlin syndrome. Last evaluated: 2024-07-03. Review status: criteria provided, single submitter. Criteria: Invitae Variant Classification Sherloc (09022015). Collection method: clinical testing. Allele origin: germline.
Comment: This sequence change replaces serine, which is neutral and polar, with alanine, which is neutral and non-polar, at codon 1280 of the PTCH1 protein (p.Ser1280Ala). This variant is not present in population databases (gnomAD no frequency). This variant has not been reported in the literature in individuals affected with PTCH1-related conditions. ClinVar contains an entry for this variant (Variation ID: 1390354). Advanced modeling of protein sequence and biophysical properties (such as structural, functional, and spatial information, amino acid conservation, physicochemical variation, residue mobility, and thermodynamic stability) performed at Invitae indicates that this missense variant is not expected to disrupt PTCH1 protein function with a negative predictive value of 95%. In summary, the available evidence is currently insufficient to determine the role of this variant in disease. Therefore, it has been classified as a Variant of Uncertain Significance.